The following is an entry in ClinVar:

NM_001370259.2(MEN1):c.201C>T (p.Pro67=)

Gene: MEN1 (menin 1; minus strand). Cytogenetic location: 11q13.1.
Variant type: single nucleotide variant.
Coding change: c.201C>T on transcript NM_001370259.2 (MANE Select); coding-DNA position 201, C replaced by T.
Protein change: p.Pro67=; no amino-acid change (proline 67 retained).
Molecular consequence: synonymous variant.
Genome position (GRCh38, 1-based): chr11:64,809,909, G>A on the plus strand (C>T on the coding strand, the complement: MEN1 is on the minus strand). VCF-style: chr11-64809909-G-A. GRCh37 (hg19) VCF-style: chr11-64577381-G-A.
Other names: c.201C>T, p.Pro67= (NM_000244.4, NM_001370251.2, NM_001370260.2 and 9 more transcripts).
Identifiers: ClinVar variation 412560 (VCV000412560.18), dbSNP rs1060503791, ClinGen allele CA16613634.

ClinVar aggregate classification (germline): Benign/Likely benign. Review status: criteria provided, multiple submitters, no conflicts (2 of 4 stars). 5 submissions from 5 submitters: Benign (1); Likely benign (4). Last evaluated 2026-01-27.

Conditions:
Hereditary cancer-predisposing syndrome. Also called: Hereditary neoplastic syndrome; Neoplastic Syndromes, Hereditary; Tumor predisposition; Hereditary Cancer Syndrome. Identifiers: Orphanet 140162, MedGen C0027672, MeSH D009386, MONDO:0015356.
Multiple endocrine neoplasia, type 1 (MEN1). Also called: MEA I; MEN I; WERMER SYNDROME; Endocrine adenomatosis multiple; MEN 1. Identifiers: Orphanet 652, MedGen C0025267, MeSH D018761, MONDO:0007540, OMIM 131100.

Allele frequency attached by ClinVar (database versions not stated): gnomAD exomes below 0.00001; TOPMed 0.00001.

Submissions (5):

Labcorp Genetics (formerly Invitae), Labcorp
Classification: Likely benign for Multiple endocrine neoplasia, type 1. Last evaluated: 2026-01-27. Review status: criteria provided, single submitter. Criteria: Invitae Variant Classification Sherloc (09022015). Collection method: clinical testing. Allele origin: germline.

Myriad Genetics, Inc.
Classification: Benign for Multiple endocrine neoplasia, type 1. Last evaluated: 2024-10-31. Review status: criteria provided, single submitter. Criteria: Myriad Autosomal Dominant, Autosomal Recessive and X-Linked Classification Criteria (2023). Collection method: clinical testing. Allele origin: unknown.
Comment: This variant is considered benign. This variant is a silent/synonymous amino acid change and it is not expected to impact splicing.

All of Us Research Program, National Institutes of Health
Classification: Likely benign for Multiple endocrine neoplasia, type 1. Last evaluated: 2023-12-13. Review status: criteria provided, single submitter. Criteria: ACMG Guidelines, 2015. Collection method: clinical testing. Allele origin: germline. Inheritance: Autosomal dominant inheritance. Observed: 2 variant alleles, 2 heterozygotes.
Comment: This study involves interpretation of variants in research participants for the purpose of population health screening. Participant phenotype was not available at the time of variant classification. Additional details can be found in publication PMID: 35346344, PMCID: PMC8962531

Color Diagnostics, LLC DBA Color Health
Classification: Likely benign for Multiple endocrine neoplasia, type 1. Last evaluated: 2023-06-27. Review status: criteria provided, single submitter. Criteria: ACMG Guidelines, 2015. Collection method: clinical testing. Allele origin: germline.

Ambry Genetics
Classification: Likely benign for Hereditary cancer-predisposing syndrome. Last evaluated: 2016-07-18. Review status: criteria provided, single submitter. Criteria: Ambry Variant Classification Scheme 2023. Collection method: clinical testing. Allele origin: germline.